The following is an entry in ClinVar:

ClinVar aggregate classification (germline): Likely benign (1 of 4 stars; one submission).

gnomAD v4.1: 4 of 1,613,270 alleles (0.00025%); highest among the groups gnomAD compares: East Asian, 0.0022%; no homozygotes.

Submission:

CeGaT Center for Human Genetics Tuebingen
Classification: Likely benign. Last evaluated: 2024-10-01. Review status: criteria provided, single submitter. Criteria: CeGaT Center For Human Genetics Tuebingen Variant Classification Criteria Version 2. Collection method: clinical testing. Allele origin: germline. Affected: yes. Observed: 1 variant allele.
Comment: LMNB1: BP4, BP7

NM_005573.4(LMNB1):c.1425T>C (p.Ile475=)

Gene: LMNB1 (lamin B1; plus strand). Cytogenetic location: 5q23.2.
Variant type: single nucleotide variant.
Coding change: c.1425T>C on transcript NM_005573.4 (MANE Select); coding-DNA position 1425, T replaced by C.
Protein change: p.Ile475=; no amino-acid change (isoleucine 475 retained).
Molecular consequence: synonymous variant. On other transcripts: non-coding transcript variant (2).
Genome position (GRCh38, 1-based): chr5:126,822,819, T>C. VCF-style: chr5-126822819-T-C. GRCh37 (hg19) VCF-style: chr5-126158511-T-C.
Other names: c.795T>C, p.Ile265= (NM_001198557.2).
Identifiers: ClinVar variation 3388375 (VCV003388375.14).